The following is an entry in ClinVar:

ClinVar aggregate classification (germline): Uncertain significance. Review status: criteria provided, multiple submitters, no conflicts (2 of 4 stars). 2 submissions from 2 submitters: Uncertain significance (2). Last evaluated 2025-08-09.

Allele frequency attached by ClinVar (database versions not stated): TOPMed below 0.00001; gnomAD exomes 0.00001; gnomAD 0.00002.
gnomAD v4.1: 6 of 1,613,582 alleles (0.00037%); highest among the groups gnomAD compares: East Asian, 0.0022%; no homozygotes.

Submissions (2):

Labcorp Genetics (formerly Invitae), Labcorp
Classification: Uncertain significance. Last evaluated: 2025-08-09. Review status: criteria provided, single submitter. Criteria: Invitae Variant Classification Sherloc (09022015). Collection method: clinical testing. Allele origin: germline.
Comment: This sequence change replaces isoleucine, which is neutral and non-polar, with valine, which is neutral and non-polar, at codon 361 of the A2ML1 protein (p.Ile361Val). This variant is present in population databases (no rsID available, gnomAD 0.005%). This variant has not been reported in the literature in individuals affected with A2ML1-related conditions. ClinVar contains an entry for this variant (Variation ID: 956453). An algorithm developed to predict the effect of missense changes on protein structure and function outputs the following: PolyPhen-2: "Benign". The valine amino acid residue is found in multiple mammalian species, which suggests that this missense change does not adversely affect protein function. In summary, the available evidence is currently insufficient to determine the role of this variant in disease. Therefore, it has been classified as a Variant of Uncertain Significance.

Ambry Genetics
Classification: Uncertain significance. Last evaluated: 2024-05-11. Review status: criteria provided, single submitter. Criteria: Ambry Variant Classification Scheme 2023. Collection method: clinical testing. Allele origin: germline.
Comment: The p.I361V variant (also known as c.1081A>G) is located in coding exon 11 of the A2ML1 gene. The isoleucine at codon 361 is replaced by valine, an amino acid with highly similar properties. This change occurs in the first base pair of coding exon 11. This amino acid position is conserved. In addition, this alteration is predicted to be tolerated by in silico analysis. Since supporting evidence is limited at this time, the clinical significance of this alteration remains unclear.

NM_144670.6(A2ML1):c.1081A>G (p.Ile361Val)

Gene: A2ML1 (alpha-2-macroglobulin like 1; plus strand). Cytogenetic location: 12p13.31.
Variant type: single nucleotide variant.
Coding change: c.1081A>G on transcript NM_144670.6 (MANE Select); coding-DNA position 1081, A replaced by G.
Protein change: p.Ile361Val; replaces isoleucine 361 with valine.
Molecular consequence: missense variant.
Genome position (GRCh38, 1-based): chr12:8,841,369, A>G. VCF-style: chr12-8841369-A-G. GRCh37 (hg19) VCF-style: chr12-8993965-A-G.
Other names: short protein forms I361V.
Identifiers: ClinVar variation 956453 (VCV000956453.12), dbSNP rs1240129654, ClinGen allele CA383824416.